The following is an entry in ClinVar:

ClinVar aggregate classification (germline): Likely benign (0 of 4 stars; one submission).

Conditions:
NBN-related disorder. Also called: NBN-related condition.

Allele frequency attached by ClinVar (database versions not stated): ExAC 0.00003; gnomAD 0.00006; gnomAD exomes 0.00006; TOPMed 0.00009.
gnomAD v4.1: 90 of 1,605,470 alleles (0.0056%); highest among the groups gnomAD compares: Non-Finnish European, 0.0076%; no homozygotes.

Submission:

PreventionGenetics, part of Exact Sciences
Classification: Likely benign for NBN-related condition. Last evaluated: 2020-05-27. Review status: no assertion criteria provided. Collection method: clinical testing. Allele origin: germline.
Comment: This variant is classified as likely benign based on ACMG/AMP sequence variant interpretation guidelines (Richards et al. 2015 PMID: 25741868, with internal and published modifications).

NM_002485.5(NBN):c.321-27C>T

Gene: NBN (nibrin; minus strand). Cytogenetic location: 8q21.3.
Variant type: single nucleotide variant.
Coding change: c.321-27C>T on transcript NM_002485.5 (MANE Select); 27 bases into the intron before coding-DNA position 321, C replaced by T.
Molecular consequence: intron variant.
Genome position (GRCh38, 1-based): chr8:89,980,920, G>A on the plus strand (C>T on the coding strand, the complement: NBN is on the minus strand). VCF-style: chr8-89980920-G-A. GRCh37 (hg19) VCF-style: chr8-90993148-G-A.
Other names: c.75-27C>T (NM_001024688.3).
Identifiers: ClinVar variation 3034474 (VCV003034474.2), dbSNP rs776616873, ClinGen allele CA4803001.